The following is an entry in ClinVar:

ClinVar aggregate classification (germline): Uncertain significance. Review status: criteria provided, multiple submitters, no conflicts (2 of 4 stars). 2 submissions from 2 submitters: Uncertain significance (2). Last evaluated 2024-09-11.

Conditions:
Osteogenesis imperfecta type 15. Also called: OI, TYPE XV; WNT1-related osteogenesis imperfecta; Osteogenesis imperfecta, type xv. Identifiers: Orphanet 666, MedGen C3808844, MONDO:0014086, OMIM 615220.

gnomAD v4.1: 30 of 1,576,120 alleles (0.0019%); highest among the groups gnomAD compares: Non-Finnish European, 0.0026%; no homozygotes.

Submissions (2):

Labcorp Genetics (formerly Invitae), Labcorp
Classification: Uncertain significance. Last evaluated: 2024-09-11. Review status: criteria provided, single submitter. Criteria: Invitae Variant Classification Sherloc (09022015). Collection method: clinical testing. Allele origin: germline.
Comment: This sequence change replaces leucine, which is neutral and non-polar, with isoleucine, which is neutral and non-polar, at codon 197 of the WNT1 protein (p.Leu197Ile). The frequency data for this variant in the population databases is considered unreliable, as metrics indicate poor data quality at this position in the gnomAD database. This variant has not been reported in the literature in individuals affected with WNT1-related conditions. Invitae Evidence Modeling of protein sequence and biophysical properties (such as structural, functional, and spatial information, amino acid conservation, physicochemical variation, residue mobility, and thermodynamic stability) indicates that this missense variant is not expected to disrupt WNT1 protein function with a negative predictive value of 80%. In summary, the available evidence is currently insufficient to determine the role of this variant in disease. Therefore, it has been classified as a Variant of Uncertain Significance.

Pittsburgh Clinical Genomics Laboratory, University of Pittsburgh Medical Center
Classification: Uncertain significance for Osteogenesis imperfecta type 15. Last evaluated: 2024-06-03. Review status: criteria provided, single submitter. Criteria: ACMG Guidelines, 2015. Collection method: clinical testing. Allele origin: germline. Inheritance: Autosomal unknown. Affected: yes.
Comment: This sequence variant is a single nucleotide substitution (C>A) at position 589 of the coding sequence of the WNT1 gene that results in a leucine to isoleucine amino acid change at residue 197 of the Wnt family member 1 protein. This variant is absent from ClinVar and has not been observed in individuals affected by a WNT1-related disorder in the published literature, to our knowledge. This variant is present in 30 of 1576120 alleles (0.0019%) in the gnomAD v4.1.0 population dataset. Bioinformatic tools are inconclusive if this amino acid change will be damaging or tolerated, and the Leu197 residue at this position is highly conserved across the vertebrate species examined. Studies examining the functional consequence of this variant have not been published, to our knowledge. At this time, there is insufficient evidence to determine if this variant is pathogenic or benign. Therefore, we consider this a variant of uncertain significance. ACMG Criteria: PM2

NM_005430.4(WNT1):c.589C>A (p.Leu197Ile)

Gene: WNT1 (Wnt family member 1; plus strand). Cytogenetic location: 12q13.12.
Variant type: single nucleotide variant.
Coding change: c.589C>A on transcript NM_005430.4 (MANE Select); coding-DNA position 589, C replaced by A.
Protein change: p.Leu197Ile; replaces leucine 197 with isoleucine.
Molecular consequence: missense variant.
Genome position (GRCh38, 1-based): chr12:48,980,654, C>A. VCF-style: chr12-48980654-C-A. GRCh37 (hg19) VCF-style: chr12-49374437-C-A.
Other names: short protein forms L197I.
Identifiers: ClinVar variation 3376447 (VCV003376447.3).
Genomic context (GRCh38, chr12:48,980,654, plus strand): 5'-GGCCGCCTCTTCGGCCGGGAGTTCGTGGACTCCGGGGAGAAGGGGCGGGACCTGCGCTTC[C>A]TCATGAACCTTCACAACAACGAGGCAGGCCGTACGGTGAGCTTTGAGAGGCTCCGCACCC-3'
Protein context (NP_005421.1, residues 187-207): SGEKGRDLRF[Leu197Ile]MNLHNNEAGR